The following is an entry in ClinVar:

NM_005591.4(MRE11):c.1389C>G (p.Asp463Glu)

Gene: MRE11 (MRE11 double strand break repair nuclease; minus strand). Cytogenetic location: 11q21.
Variant type: single nucleotide variant.
Coding change: c.1389C>G on transcript NM_005591.4 (MANE Select); coding-DNA position 1389, C replaced by G.
Protein change: p.Asp463Glu; replaces aspartic acid 463 with glutamic acid.
Molecular consequence: missense variant.
Genome position (GRCh38, 1-based): chr11:94,459,519, G>C on the plus strand (C>G on the coding strand, the complement: MRE11 is on the minus strand). VCF-style: chr11-94459519-G-C. GRCh37 (hg19) VCF-style: chr11-94192685-G-C.
Other names: c.1389C>G, p.Asp463Glu (NM_001330347.2, NM_005590.4); short protein forms D463E.
Identifiers: ClinVar variation 969631 (VCV000969631.9), dbSNP rs1226046388, ClinGen allele CA382371925.

ClinVar aggregate classification (germline): Uncertain significance (1 of 4 stars; one submission).

Conditions:
Ataxia-telangiectasia-like disorder (ATLD). Identifiers: MedGen C1858391, MONDO:0011457.

gnomAD v4.1: 1 of 1,613,936 alleles (0.000062%); highest among the groups gnomAD compares: Non-Finnish European, 0.000085%; no homozygotes.

Submission:

Labcorp Genetics (formerly Invitae), Labcorp
Classification: Uncertain significance for Ataxia-telangiectasia-like disorder. Last evaluated: 2019-11-08. Review status: criteria provided, single submitter. Criteria: Invitae Variant Classification Sherloc (09022015). Collection method: clinical testing. Allele origin: germline.
Comment: This variant has not been reported in the literature in individuals with MRE11-related conditions. Algorithms developed to predict the effect of missense changes on protein structure and function (SIFT, PolyPhen-2, Align-GVGD) all suggest that this variant is likely to be tolerated, but these predictions have not been confirmed by published functional studies and their clinical significance is uncertain. In summary, the available evidence is currently insufficient to determine the role of this variant in disease. Therefore, it has been classified as a Variant of Uncertain Significance. This variant is not present in population databases (ExAC no frequency). This sequence change replaces aspartic acid with glutamic acid at codon 463 of the MRE11 protein (p.Asp463Glu). The aspartic acid residue is highly conserved and there is a small physicochemical difference between aspartic acid and glutamic acid.